The following is an entry in ClinVar:

NM_005263.5(GFI1):c.229G>C (p.Gly77Arg)

Gene: GFI1 (growth factor independent 1 transcriptional repressor; minus strand). Cytogenetic location: 1p22.1.
Variant type: single nucleotide variant.
Coding change: c.229G>C on transcript NM_005263.5 (MANE Select); coding-DNA position 229, G replaced by C.
Protein change: p.Gly77Arg; replaces glycine 77 with arginine.
Molecular consequence: missense variant.
Genome position (GRCh38, 1-based): chr1:92,482,933, C>G on the plus strand (G>C on the coding strand, the complement: GFI1 is on the minus strand). VCF-style: chr1-92482933-C-G. GRCh37 (hg19) VCF-style: chr1-92948490-C-G.
Other names: c.229G>C, p.Gly77Arg (NM_001127215.3, NM_001127216.3); short protein forms G77R.
Identifiers: ClinVar variation 5022375 (VCV005022375.1).

ClinVar aggregate classification (germline): Uncertain significance (1 of 4 stars; one submission).

Submission:

Ambry Genetics
Classification: Uncertain significance. Last evaluated: 2026-07-05. Review status: criteria provided, single submitter. Criteria: Ambry Variant Classification Scheme 2023. Collection method: clinical testing. Allele origin: germline.
Comment: The p.G77R variant (also known as c.229G>C), located in coding exon 2 of the GFI1 gene, results from a G to C substitution at nucleotide position 229. The glycine at codon 77 is replaced by arginine, an amino acid with dissimilar properties. This amino acid position is conserved. In addition, this alteration is predicted to be tolerated by in silico analysis. Based on the available evidence, the clinical significance of this variant remains unclear.